The following is an entry in ClinVar:

ClinVar aggregate classification (germline): Conflicting classifications of pathogenicity. Review status: criteria provided, conflicting classifications (1 of 4 stars). 8 submissions from 8 submitters: Uncertain significance (5); Likely benign (2). 1 of the submissions does not count toward it. Last evaluated 2025-06-02.

Conditions:
Hereditary cancer-predisposing syndrome. Also called: Neoplastic Syndromes, Hereditary; Hereditary Cancer Syndrome; Tumor predisposition; Hereditary neoplastic syndrome. Identifiers: Orphanet 140162, MedGen C0027672, MeSH D009386, MONDO:0015356.
Ataxia-telangiectasia syndrome (AT). Also called: Cerebello-oculocutaneous telangiectasia; Immunodeficiency with ataxia telangiectasia; LOUIS-BAR SYNDROME; Ataxia-telangiectasia, complementation group D; AT, COMPLEMENTATION GROUP C; ATAXIA-TELANGIECTASIA, COMPLEMENTATION GROUP A. Identifiers: Orphanet 100, MedGen C0004135, MONDO:0008840, OMIM 208900.

Allele frequency attached by ClinVar (database versions not stated): gnomAD 0.00001; ExAC 0.00002; gnomAD exomes 0.00003; TOPMed 0.00003; ESP Exome Variant Server 0.00008.

Submissions (8):

Color Diagnostics, LLC DBA Color Health
Classification: Likely benign for Hereditary cancer-predisposing syndrome. Last evaluated: 2025-06-02. Review status: criteria provided, single submitter. Criteria: ACMG Guidelines, 2015. Collection method: clinical testing. Allele origin: germline.

Molecular Pathology, Peter Maccallum Cancer Centre
Classification: Uncertain significance for Ataxia-telangiectasia syndrome. Last evaluated: 2024-12-02. Review status: criteria provided, single submitter. Criteria: ACMG Guidelines, 2015. Collection method: clinical testing. Allele origin: germline. Inheritance: Autosomal recessive inheritance.

Labcorp Genetics (formerly Invitae), Labcorp
Classification: Uncertain significance for Ataxia-telangiectasia syndrome. Last evaluated: 2024-08-13. Review status: criteria provided, single submitter. Criteria: Invitae Variant Classification Sherloc (09022015). Collection method: clinical testing. Allele origin: germline.
Comment: This sequence change replaces leucine, which is neutral and non-polar, with isoleucine, which is neutral and non-polar, at codon 1322 of the ATM protein (p.Leu1322Ile). This variant is present in population databases (rs144535256, gnomAD 0.006%). This missense change has been observed in individual(s) with endometrial carcinoma (PMID: 26689913). ClinVar contains an entry for this variant (Variation ID: 142896). An algorithm developed to predict the effect of missense changes on protein structure and function (PolyPhen-2) suggests that this variant is likely to be disruptive. In summary, the available evidence is currently insufficient to determine the role of this variant in disease. Therefore, it has been classified as a Variant of Uncertain Significance.

Women's Health and Genetics/Laboratory Corporation of America, LabCorp
Classification: Uncertain significance. Last evaluated: 2024-04-23. Review status: criteria provided, single submitter. Criteria: LabCorp Variant Classification Summary - May 2015. Collection method: clinical testing. Allele origin: germline.
Comment: Variant summary: ATM c.3964C>A (p.Leu1322Ile) results in a conservative amino acid change in the encoded protein sequence. Three of five in-silico tools predict a benign effect of the variant on protein function. The variant allele was found at a frequency of 2.8e-05 in 251158 control chromosomes. The available data on variant occurrences in the general population are insufficient to allow any conclusion about variant significance. c.3964C>A has been reported in the literature in at least one individual with ataxia-telangiectasia (zygosity not reported) (Barone_2009), was heterozygous in 1 individual with uterine corpus endometrial carcinoma (Lu_2015), and was heterozygous in one individual with chronic lymphocytic leukemia and one control individual, respectively (Tiao_2017). These report(s) do not provide unequivocal conclusions about association of the variant with Ataxia-Telangiectasia. In vitro experiments found that this variant made no difference to protein expression or activity (Barone_2009). The following publications have been ascertained in the context of this evaluation (PMID: 19431188, 26689913, 28652578). ClinVar contains an entry for this variant (Variation ID: 142896). Based on the evidence outlined above, the variant was classified as uncertain significance.

Blueprint Genetics
Classification: Uncertain significance. Last evaluated: 2023-11-27. Review status: criteria provided, single submitter. Criteria: ACMG Guidelines, 2015. Collection method: clinical testing. Allele origin: germline.

GeneDx
Classification: Uncertain significance. Last evaluated: 2023-06-22. Review status: criteria provided, single submitter. Criteria: GeneDx Variant Classification Process June 2021. Collection method: clinical testing. Allele origin: germline. Affected: yes.
Comment: Not observed at significant frequency in large population cohorts (gnomAD); In silico analysis supports that this missense variant does not alter protein structure/function; Published functional studies suggest no damaging effect: normal protein expression and kinase activity (Barone et al., 2009); This variant is associated with the following publications: (PMID: 26689913, 28652578, 16014569, 29684080, 19431188)

Ambry Genetics
Classification: Likely benign for Hereditary cancer-predisposing syndrome. Last evaluated: 2018-02-28. Review status: criteria provided, single submitter. Criteria: Ambry Variant Classification Scheme 2023. Collection method: clinical testing. Allele origin: germline.

Counsyl
Classification: Uncertain significance for Ataxia-telangiectasia syndrome. Last evaluated: 2017-11-10. Review status: no assertion criteria provided. Collection method: clinical testing. Allele origin: unknown. Not counted in ClinVar's aggregate classification.

Literature cited by the submitters: PubMed 26689913 (cited by Labcorp Genetics (formerly Invitae), Labcorp and Women's Health and Genetics/Laboratory Corporation of America, LabCorp); PubMed 19431188 (cited by 3 submitters); PubMed 28652578 (cited by Women's Health and Genetics/Laboratory Corporation of America, LabCorp).

NM_000051.4(ATM):c.3964C>A (p.Leu1322Ile)

Gene: ATM (ATM serine/threonine kinase; plus strand). Cytogenetic location: 11q22.3.
Variant type: single nucleotide variant.
Coding change: c.3964C>A on transcript NM_000051.4 (MANE Select); coding-DNA position 3964, C replaced by A.
Protein change: p.Leu1322Ile; replaces leucine 1322 with isoleucine.
Molecular consequence: missense variant.
Genome position (GRCh38, 1-based): chr11:108,284,444, C>A. VCF-style: chr11-108284444-C-A. GRCh37 (hg19) VCF-style: chr11-108155171-C-A.
Other names: c.3964C>A, p.Leu1322Ile (NM_001351834.2); short protein forms L1322I.
Identifiers: ClinVar variation 142896 (VCV000142896.27), dbSNP rs144535256, ClinGen allele CA169707.